The following is an entry in ClinVar:

NM_016580.4(PCDH12):c.2299C>T (p.Gln767Ter)

Genes: PCDH12 (protocadherin 12; minus strand), RNF14 (ring finger protein 14; plus strand). Cytogenetic location: 5q31.3.
Variant type: single nucleotide variant.
Coding change: c.2299C>T on transcript NM_016580.4 (MANE Select); coding-DNA position 2299, C replaced by T.
Protein change: p.Gln767Ter; replaces glutamine 767 with a stop codon.
Molecular consequence: nonsense.
Genome position (GRCh38, 1-based): chr5:141,955,553, G>A on the plus strand (C>T on the coding strand, the complement: PCDH12 is on the minus strand). VCF-style: chr5-141955553-G-A. GRCh37 (hg19) VCF-style: chr5-141335118-G-A.
Other names: short protein forms Q767*.
Identifiers: ClinVar variation 640849 (VCV000640849.7), dbSNP rs1596646556, ClinGen allele CA361576460.
Genomic context (GRCh38, chr5:141,955,553, plus strand): 5'-CACCTGCCTGACCCCTGAGCACAGGCACGAGGTGGATGTCTGCCTTCTGAATGTGTTTCT[G>A]GGGCCTCTTGGGCTGCTGGCGGTAGGTGGACTCGGCCTCCCGACAGTTGTAGGCCCTGTT-3'

ClinVar aggregate classification (germline): Pathogenic (1 of 4 stars; one submission).

Submission:

Labcorp Genetics (formerly Invitae), Labcorp
Classification: Pathogenic. Last evaluated: 2018-11-01. Review status: criteria provided, single submitter. Criteria: Invitae Variant Classification Sherloc (09022015). Collection method: clinical testing. Allele origin: germline.
Comment: This sequence change creates a premature translational stop signal (p.Gln767*) in the PCDH12 gene. It is expected to result in an absent or disrupted protein product. This variant is not present in population databases (ExAC no frequency). This variant has not been reported in the literature in individuals with PCDH12-related disease. Loss-of-function variants in PCDH12 are known to be pathogenic (PMID: 27164683, 29556033). For these reasons, this variant has been classified as Pathogenic.

Literature cited by the submitters: PubMed 27164683; PubMed 29556033.